The following is an entry in ClinVar:

NM_004304.5(ALK):c.2504C>T (p.Pro835Leu)

Gene: ALK (ALK receptor tyrosine kinase; minus strand). Cytogenetic location: 2p23.2.
Variant type: single nucleotide variant.
Coding change: c.2504C>T on transcript NM_004304.5 (MANE Select); coding-DNA position 2504, C replaced by T.
Protein change: p.Pro835Leu; replaces proline 835 with leucine.
Molecular consequence: missense variant.
Genome position (GRCh38, 1-based): chr2:29,232,432, G>A on the plus strand (C>T on the coding strand, the complement: ALK is on the minus strand). VCF-style: chr2-29232432-G-A. GRCh37 (hg19) VCF-style: chr2-29455298-G-A.
Other names: short protein forms P835L.
Identifiers: ClinVar variation 538251 (VCV000538251.18), dbSNP rs376091121, ClinGen allele CA1594280.

ClinVar aggregate classification (germline): Uncertain significance. Review status: criteria provided, multiple submitters, no conflicts (2 of 4 stars). 7 submissions from 7 submitters: Uncertain significance (7). Last evaluated 2026-02-11.

Conditions:
ALK-related disorder. Also called: ALK-related condition.
Neuroblastoma, susceptibility to, 3. Also called: ALK-Related Neuroblastic Tumor Susceptibility. Identifiers: Orphanet 635, MedGen C2751681, MONDO:0013083, OMIM 613014.
Hereditary cancer-predisposing syndrome. Also called: Neoplastic Syndromes, Hereditary; Tumor predisposition; Hereditary Cancer Syndrome; Hereditary neoplastic syndrome. Identifiers: Orphanet 140162, MedGen C0027672, MeSH D009386, MONDO:0015356.

Allele frequency attached by ClinVar (database versions not stated): gnomAD exomes 0.00001 and 0.00003; ExAC 0.00002; TOPMed 0.00006; gnomAD 0.00007 and 0.00008; ESP Exome Variant Server 0.00008.
gnomAD v4.1: 59 of 1,614,120 alleles (0.0037%); highest among the groups gnomAD compares: African/African-American, 0.015%; no homozygotes.

Submissions (7):

St. Jude Molecular Pathology, St. Jude Children's Research Hospital
Classification: Uncertain significance for Neuroblastoma, susceptibility to, 3. Last evaluated: 2026-02-11. Review status: criteria provided, single submitter. Criteria: St. Jude Assertion Criteria 2020. Collection method: clinical testing. Allele origin: germline.
Comment: The ALK c.2504C>T p.(Pro835Leu) missense change has a maximum subpopulation frequency of 0.02% in gnomAD v2.1.1. The in silico tool REVEL predicts a benign effect on protein function, but to our knowledge this prediction has not been confirmed by functional studies. To our knowledge, this variant has not been reported in individuals with ALK-related neuroblastic tumor susceptibility. In summary, the evidence currently available is insufficient to determine the clinical significance of this variant. It has therefore been classified as of uncertain significance.

Labcorp Genetics (formerly Invitae), Labcorp
Classification: Uncertain significance for Neuroblastoma, susceptibility to, 3. Last evaluated: 2026-01-21. Review status: criteria provided, single submitter. Criteria: Invitae Variant Classification Sherloc (09022015). Collection method: clinical testing. Allele origin: germline.
Comment: This sequence change replaces proline, which is neutral and non-polar, with leucine, which is neutral and non-polar, at codon 835 of the ALK protein (p.Pro835Leu). This variant is present in population databases (rs376091121, gnomAD 0.02%). This variant has not been reported in the literature in individuals affected with ALK-related conditions. ClinVar contains an entry for this variant (Variation ID: 538251). An algorithm developed to predict the effect of missense changes on protein structure and function (PolyPhen-2) suggests that this variant is likely to be disruptive. In summary, the available evidence is currently insufficient to determine the role of this variant in disease. Therefore, it has been classified as a Variant of Uncertain Significance.

GeneDx
Classification: Uncertain significance. Last evaluated: 2024-11-18. Review status: criteria provided, single submitter. Criteria: GeneDx Variant Classification Process June 2021. Collection method: clinical testing. Allele origin: germline. Affected: yes.
Comment: In silico analysis indicates that this missense variant does not alter protein structure/function; Has not been previously published as pathogenic or benign to our knowledge; This variant is associated with the following publications: (PMID: 27377421)

Baylor Genetics
Classification: Uncertain significance for Neuroblastoma, susceptibility to, 3. Last evaluated: 2024-03-08. Review status: criteria provided, single submitter. Criteria: ACMG Guidelines, 2015. Collection method: clinical testing. Allele origin: unknown.

Ambry Genetics
Classification: Uncertain significance for Hereditary cancer-predisposing syndrome. Last evaluated: 2024-02-22. Review status: criteria provided, single submitter. Criteria: Ambry Variant Classification Scheme 2023. Collection method: clinical testing. Allele origin: germline.
Comment: The p.P835L variant (also known as c.2504C>T), located in coding exon 15 of the ALK gene, results from a C to T substitution at nucleotide position 2504. The proline at codon 835 is replaced by leucine, an amino acid with similar properties. This amino acid position is conserved. In addition, this alteration is predicted to be tolerated by in silico analysis. Since supporting evidence is limited at this time, the clinical significance of this alteration remains unclear.

PreventionGenetics, part of Exact Sciences
Classification: Uncertain significance for ALK-related condition. Last evaluated: 2023-01-11. Review status: criteria provided, single submitter. Criteria: ACMG Guidelines, 2015. Collection method: clinical testing. Allele origin: germline.
Comment: The ALK c.2504C>T variant is predicted to result in the amino acid substitution p.Pro835Leu. To our knowledge, this variant has not been reported in the literature. This variant is reported in 0.020% of alleles in individuals of African descent in gnomAD and is interpreted as a variant of uncertain significance in ClinVar. At this time, the clinical significance of this variant is uncertain due to the absence of conclusive functional and genetic evidence.

Sema4
Classification: Uncertain significance for Hereditary cancer-predisposing syndrome. Last evaluated: 2021-12-09. Review status: criteria provided, single submitter. Criteria: Sema4 Curation Guidelines. Collection method: curation. Allele origin: germline.
Comment: To the best of our knowledge, the ALK c.2504C>T (p.P835L) variant has not been reported in individuals with ALK-related disease. This variant was observed in 5/24974 chromosomes of the African/African American subpopulation in the large and broad cohorts of the Genome Aggregation Database (PMID: 32461654). This variant has been reported in ClinVar (Variation ID: 538251). Functional studies have not been performed, and in silico predictions of the variant's effect on protein function are inconclusive. Based on the current evidence available, this variant is interpreted as a variant of uncertain significance.